The following is an entry in ClinVar:

ClinVar aggregate classification (germline): Uncertain significance (1 of 4 stars; one submission).

Conditions:
KBG syndrome (KBGS). Also called: ANKRD11-Related KBG Syndrome. Identifiers: Orphanet 2332, MedGen C0220687, MONDO:0007846, OMIM 148050.

Submission:

Labcorp Genetics (formerly Invitae), Labcorp
Classification: Uncertain significance for KBG syndrome. Last evaluated: 2024-07-29. Review status: criteria provided, single submitter. Criteria: Invitae Variant Classification Sherloc (09022015). Collection method: clinical testing. Allele origin: germline.
Comment: This variant, c.7189_7200dup, results in the insertion of 4 amino acid(s) of the ANKRD11 protein (p.Gln2397_Leu2400dup), but otherwise preserves the integrity of the reading frame. This variant is not present in population databases (gnomAD no frequency). This variant has not been reported in the literature in individuals affected with ANKRD11-related conditions. In summary, the available evidence is currently insufficient to determine the role of this variant in disease. Therefore, it has been classified as a Variant of Uncertain Significance.

NM_013275.6(ANKRD11):c.7189_7200dup (p.Leu2400_Asn2401insGlnGlnGlnLeu)

Gene: ANKRD11 (ankyrin repeat domain 11; minus strand). Cytogenetic location: 16q24.3.
Variant type: Duplication.
Coding change: c.7189_7200dup on transcript NM_013275.6 (MANE Select); coding-DNA positions 7189 to 7200, 12 bases duplicated (CAGCAGCAGCTG).
Protein change: p.Leu2400_Asn2401insGlnGlnGlnLeu.
Molecular consequence: inframe insertion.
Genome position (GRCh38, 1-based): chr16:89,279,342-89,279,353, CAGCTGCTGCTG duplicated on the plus strand (CAGCAGCAGCTG on the coding strand, the reverse complement: ANKRD11 is on the minus strand); duplicating any 12 consecutive bases within chr16:89,279,342-89,279,362 gives the same sequence; the c. name uses the placement nearest the transcript's 3' end. VCF-style (leftmost placement, unchanged base first): chr16-89279341-T-TCAGCTGCTGCTG. GRCh37 (hg19) VCF-style: chr16-89345749-T-TCAGCTGCTGCTG.
Other names: c.7189_7200dup, p.Leu2400_Asn2401insGlnGlnGlnLeu (NM_001256182.2, NM_001256183.2).
Identifiers: ClinVar variation 2740262 (VCV002740262.3), dbSNP rs2544218970, ClinGen allele CA2697556039.
Genomic context (GRCh38, chr16:89,279,341, plus strand): 5'-CGTCCACGATGGCGGCCAGCGTCTGCTGGATCACCTCCCGCGTCTGCTGCGTGGACGTGT[T>TCAGCTGCTGCTG]CAGCTGCTGCTGCAGCTGCTGGGTGGAGCGCTGAAAGCGGCGTTTGCGCGGATGCTGGGC-3'